The following is an entry in ClinVar:

NM_000817.3(GAD1):c.1225G>A (p.Val409Met)

Gene: GAD1 (glutamate decarboxylase 1; plus strand). Cytogenetic location: 2q31.1.
Variant type: single nucleotide variant.
Coding change: c.1225G>A on transcript NM_000817.3 (MANE Select); coding-DNA position 1225, G replaced by A.
Protein change: p.Val409Met; replaces valine 409 with methionine.
Molecular consequence: missense variant.
Genome position (GRCh38, 1-based): chr2:170,852,754, G>A. VCF-style: chr2-170852754-G-A. GRCh37 (hg19) VCF-style: chr2-171709264-G-A.
Other names: short protein forms V409M.
Identifiers: ClinVar variation 3902845 (VCV003902845.1).

ClinVar aggregate classification (germline): Uncertain significance (1 of 4 stars; one submission).

gnomAD v4.1: 15 of 1,613,992 alleles (0.00093%); highest among the groups gnomAD compares: Admixed American, 0.0033%; no homozygotes.

Submission:

GeneDx
Classification: Uncertain significance. Last evaluated: 2024-12-12. Review status: criteria provided, single submitter. Criteria: GeneDx Variant Classification Process June 2021. Collection method: clinical testing. Allele origin: germline. Affected: yes.
Comment: Has not been previously published as pathogenic or benign to our knowledge; In silico analysis indicates that this missense variant does not alter protein structure/function